The following is an entry in ClinVar:

NM_004336.5(BUB1):c.2737A>G (p.Ile913Val)

Gene: BUB1 (BUB1 mitotic checkpoint serine/threonine kinase; minus strand). Cytogenetic location: 2q13.
Variant type: single nucleotide variant.
Coding change: c.2737A>G on transcript NM_004336.5 (MANE Select); coding-DNA position 2737, A replaced by G.
Protein change: p.Ile913Val; replaces isoleucine 913 with valine.
Molecular consequence: missense variant. On other transcripts: intron variant (1).
Genome position (GRCh38, 1-based): chr2:110,641,353, T>C on the plus strand (A>G on the coding strand, the complement: BUB1 is on the minus strand). VCF-style: chr2-110641353-T-C. GRCh37 (hg19) VCF-style: chr2-111398930-T-C.
Other names: c.2677A>G, p.Ile893Val (NM_001278616.2); c.2626-161A>G (NM_001278617.2); short protein forms I913V, I893V.
Identifiers: ClinVar variation 1795358 (VCV001795358.4), dbSNP rs2467971073, ClinGen allele CA348089550.
Genomic context (GRCh38, chr2:110,641,353, plus strand): 5'-AGCATAACACTTGCCCGTTTCCAAGTATGAAATTGTCTGGTTTAATGTCTCCATGAATGA[T>C]TTCACAGTCATGCACTTGCTCAATCATGTAAAGCATTCTCATAGCAAAAGAGATGACAAG-3'
Protein context (NP_004327.1, residues 903-923): YMIEQVHDCE[Ile913Val]IHGDIKPDNF

ClinVar aggregate classification (germline): Uncertain significance (1 of 4 stars; one submission).

Submission:

Ambry Genetics
Classification: Uncertain significance. Last evaluated: 2024-09-16. Review status: criteria provided, single submitter. Criteria: Ambry Variant Classification Scheme 2023. Collection method: clinical testing. Allele origin: germline.
Comment: The p.I913V variant (also known as c.2737A>G), located in coding exon 22 of the BUB1 gene, results from an A to G substitution at nucleotide position 2737. The isoleucine at codon 913 is replaced by valine, an amino acid with highly similar properties. This amino acid position is conserved. In addition, the in silico prediction for this alteration is inconclusive. Since supporting evidence is limited at this time, the clinical significance of this alteration remains unclear.